The following is an entry in ClinVar:

NM_170707.4(LMNA):c.1175del (p.Ser392fs)

Gene: LMNA (lamin A/C; plus strand). Cytogenetic location: 1q22.
Variant type: Deletion.
Coding change: c.1175del on transcript NM_170707.4 (MANE Select); coding-DNA position 1175, one base deleted (G; older notation c.1175delG).
Protein change: p.Ser392fs; shifts the reading frame from serine 392.
Molecular consequence: frameshift variant.
Genome position (GRCh38, 1-based): chr1:156,136,231, G deleted. VCF-style (leftmost placement, unchanged base first): chr1-156136230-AG-A. GRCh37 (hg19) VCF-style: chr1-156106021-AG-A.
Other names: p.Ser392ThrfsTer88; c.839del, p.Ser280fs (NM_001257374.3, NM_001406989.1, NM_001406998.1); c.932del, p.Ser311fs (NM_001282624.2, NM_001406986.1, NM_001406987.1); c.1175del, p.Ser392fs (NM_001282625.2, NM_001282626.2, NM_001406983.1 and 6 more transcripts); c.878del, p.Ser293fs (NM_001406988.1); c.617del, p.Ser206fs (NM_001406990.1, NM_001406993.1, NM_001406995.1 and 4 more transcripts); c.551del, p.Ser184fs (NM_001406994.1, NM_001406999.1, NM_001407000.1 and 1 more transcripts); short protein forms S184fs, S206fs, S280fs, S293fs, S311fs, S392fs.
Identifiers: ClinVar variation 3776306 (VCV003776306.1).

ClinVar aggregate classification (germline): Likely pathogenic (1 of 4 stars; one submission).

Conditions:
Dilated cardiomyopathy 1D. Identifiers: Orphanet 154, Orphanet 54260, MedGen C1832243, MONDO:0011095, OMIM 601494.

Submission:

Foundation for Research in Genetics and Endocrinology, FRIGE's Institute of Human Genetics
Classification: Likely pathogenic for Dilated cardiomyopathy 1D. Last evaluated: 2025-03-17. Review status: criteria provided, single submitter. Criteria: ACMG Guidelines, 2015. Collection method: clinical testing. Allele origin: germline. Inheritance: Autosomal dominant inheritance. Affected: yes. Observed: 1 heterozygote.
Comment: A heterozygous missense variation in exon 7 of the LMNA gene that results in the amino acid substitution of Threonine for Serine at codon 392 was detected. The observed variant c.1175del is not reported has a minor allele frequency of 0.00007% gnomAD database. The in silico prediction of the variant is benign by PolyPhen-2 (HumDiv), SIFT, LRT and MutationTaster2. The reference codon is conserved across species. In summary, the variant meets our criteria to be classified as damaging by Mutation Taster2.